The following is an entry in ClinVar:

NM_001943.5(DSG2):c.2923G>C (p.Val975Leu)

Genes: DSG2 (desmoglein 2; plus strand), DSG2-AS1 (DSG2 antisense RNA 1; minus strand). Cytogenetic location: 18q12.1.
Variant type: single nucleotide variant.
Coding change: c.2923G>C on transcript NM_001943.5 (MANE Select); coding-DNA position 2923, G replaced by C.
Protein change: p.Val975Leu; replaces valine 975 with leucine.
Molecular consequence: missense variant.
Genome position (GRCh38, 1-based): chr18:31,546,309, G>C. VCF-style: chr18-31546309-G-C. GRCh37 (hg19) VCF-style: chr18-29126272-G-C.
Other names: short protein forms V975L.
Identifiers: ClinVar variation 3637555 (VCV003637555.2).

ClinVar aggregate classification (germline): Uncertain significance (1 of 4 stars; one submission).

Conditions:
Arrhythmogenic right ventricular dysplasia 10. Also called: Arrhythmogenic Right Ventricular Dysplasia/Cardiomyopathy10; Arrhythmogenic right ventricular dysplasia/cardiomyopathy, type 10; ARRHYTHMOGENIC RIGHT VENTRICULAR DYSPLASIA, FAMILIAL, 10. Identifiers: MedGen C1857777, MONDO:0012434, OMIM 610193.

Submission:

Labcorp Genetics (formerly Invitae), Labcorp
Classification: Uncertain significance for Arrhythmogenic right ventricular dysplasia 10. Last evaluated: 2024-12-02. Review status: criteria provided, single submitter. Criteria: Invitae Variant Classification Sherloc (09022015). Collection method: clinical testing. Allele origin: germline.
Comment: This sequence change replaces valine, which is neutral and non-polar, with leucine, which is neutral and non-polar, at codon 975 of the DSG2 protein (p.Val975Leu). This variant is not present in population databases (gnomAD no frequency). This variant has not been reported in the literature in individuals affected with DSG2-related conditions. Invitae Evidence Modeling of protein sequence and biophysical properties (such as structural, functional, and spatial information, amino acid conservation, physicochemical variation, residue mobility, and thermodynamic stability) indicates that this missense variant is not expected to disrupt DSG2 protein function with a negative predictive value of 95%. In summary, the available evidence is currently insufficient to determine the role of this variant in disease. Therefore, it has been classified as a Variant of Uncertain Significance.